The following is an entry in ClinVar:

ClinVar aggregate classification (germline): Conflicting classifications of pathogenicity. Review status: criteria provided, conflicting classifications (1 of 4 stars). 4 submissions from 4 submitters: Uncertain significance (1); Likely benign (3). Last evaluated 2026-01-07.

Conditions:
Inborn genetic diseases. Identifiers: MedGen C0950123, MeSH D030342.
Cutis laxa, X-linked (OHS). Also called: EDS IX; Occipital horn syndrome. Identifiers: Orphanet 198, MedGen C0268353, MONDO:0010572, OMIM 304150.
Menkes kinky-hair syndrome (MNK). Also called: Copper transport disease; Menkes Disease; Classic Menkes Disease. Identifiers: Orphanet 565, MedGen C0022716, MONDO:0010651, OMIM 309400.
X-linked distal spinal muscular atrophy type 3. Also called: ATP7A-Related Distal Motor Neuropathy; NEURONOPATHY, DISTAL HEREDITARY MOTOR, X-LINKED; NEUROPATHY, DISTAL HEREDITARY MOTOR, X-LINKED; SPINAL MUSCULAR ATROPHY, DISTAL, X-LINKED RECESSIVE. Identifiers: Orphanet 139557, MedGen C1845359, MONDO:0010338, OMIM 300489.

Allele frequency attached by ClinVar (database versions not stated): ExAC 0.00001; gnomAD exomes 0.00002; TOPMed 0.00003; gnomAD 0.00004 and 0.00005.
gnomAD v4.1: 32 of 1,209,709 alleles (0.0026%); highest among the groups gnomAD compares: Non-Finnish European, 0.0034%; no homozygotes.

Submissions (4):

Labcorp Genetics (formerly Invitae), Labcorp
Classification: Likely benign for X-linked distal spinal muscular atrophy type 3; Cutis laxa, X-linked; Menkes kinky-hair syndrome. Last evaluated: 2026-01-07. Review status: criteria provided, single submitter. Criteria: Invitae Variant Classification Sherloc (09022015). Collection method: clinical testing. Allele origin: germline.

GeneDx
Classification: Likely benign. Last evaluated: 2020-03-19. Review status: criteria provided, single submitter. Criteria: GeneDx Variant Classification Process June 2021. Collection method: clinical testing. Allele origin: germline. Affected: yes.
Comment: In silico analysis supports that this missense variant does not alter protein structure/function; This variant is associated with the following publications: (PMID: 33151932)

Ambry Genetics
Classification: Uncertain significance for Inborn genetic diseases. Last evaluated: 2020-01-03. Review status: criteria provided, single submitter. Criteria: Ambry Variant Classification Scheme 2023. Collection method: clinical testing. Allele origin: germline.
Comment: The p.V1438I variant (also known as c.4312G>A), located in coding exon 22 of the ATP7A gene, results from a G to A substitution at nucleotide position 4312. The valine at codon 1438 is replaced by isoleucine, an amino acid with highly similar properties. This amino acid position is not well conserved in available vertebrate species. In addition, this alteration is predicted to be tolerated by in silico analysis. Since supporting evidence is limited at this time, the clinical significance of this alteration remains unclear.

Breakthrough Genomics
Classification: Likely benign. Review status: criteria provided, single submitter. Criteria: ACMG Guidelines, 2015. Collection method: not provided. Allele origin: germline. Inheritance: X-linked inheritance. Affected: yes.

NM_000052.7(ATP7A):c.4312G>A (p.Val1438Ile)

Gene: ATP7A (ATPase copper transporting alpha; plus strand). Cytogenetic location: Xq21.1.
Variant type: single nucleotide variant.
Coding change: c.4312G>A on transcript NM_000052.7 (MANE Select); coding-DNA position 4312, G replaced by A.
Protein change: p.Val1438Ile; replaces valine 1438 with isoleucine.
Molecular consequence: missense variant. On other transcripts: non-coding transcript variant (1).
Genome position (GRCh38, 1-based): chrX:78,046,379, G>A. VCF-style: chrX-78046379-G-A. GRCh37 (hg19) VCF-style: chrX-77301876-G-A.
Other names: c.4078G>A, p.Val1360Ile (NM_001282224.2); short protein forms V1438I, V1360I.
Identifiers: ClinVar variation 423365 (VCV000423365.18), dbSNP rs782682493, ClinGen allele CA10459542.